The following is an entry in ClinVar:

ClinVar aggregate classification (germline): Uncertain significance (1 of 4 stars; one submission).

Conditions:
Hereditary cancer-predisposing syndrome. Also called: Neoplastic Syndromes, Hereditary; Tumor predisposition; Hereditary Cancer Syndrome; Hereditary neoplastic syndrome. Identifiers: Orphanet 140162, MedGen C0027672, MeSH D009386, MONDO:0015356.

Submission:

Ambry Genetics
Classification: Uncertain significance for Hereditary cancer-predisposing syndrome. Last evaluated: 2026-02-11. Review status: criteria provided, single submitter. Criteria: Ambry Variant Classification Scheme 2023. Collection method: clinical testing. Allele origin: germline.
Comment: The p.L297P variant (also known as c.890T>C), located in coding exon 7 of the SMARCB1 gene, results from a T to C substitution at nucleotide position 890. The leucine at codon 297 is replaced by proline, an amino acid with similar properties. This amino acid position is highly conserved in available vertebrate species. In addition, this alteration is predicted to be deleterious by in silico analysis. Based on the available evidence, the clinical significance of this variant remains unclear.

NM_003073.5(SMARCB1):c.890T>C (p.Leu297Pro)

Gene: SMARCB1 (SWI/SNF related BAF chromatin remodeling complex subunit B1; plus strand). Cytogenetic location: 22q11.23.
Variant type: single nucleotide variant.
Coding change: c.890T>C on transcript NM_003073.5 (MANE Select); coding-DNA position 890, T replaced by C.
Protein change: p.Leu297Pro; replaces leucine 297 with proline.
Molecular consequence: missense variant.
Genome position (GRCh38, 1-based): chr22:23,825,319, T>C. VCF-style: chr22-23825319-T-C. GRCh37 (hg19) VCF-style: chr22-24167506-T-C.
Other names: c.863T>C, p.Leu288Pro (NM_001007468.3); c.917T>C, p.Leu306Pro (NM_001317946.2); c.944T>C, p.Leu315Pro (NM_001362877.2); short protein forms L288P, L297P, L315P, L306P.
Identifiers: ClinVar variation 4824953 (VCV004824953.1).